The following is an entry in ClinVar:

ClinVar aggregate classification (germline): Uncertain significance (1 of 4 stars; one submission).

Allele frequency attached by ClinVar (database versions not stated): ExAC 0.00002; gnomAD exomes 0.00003.
gnomAD v4.1: 35 of 1,612,234 alleles (0.0022%); highest among the groups gnomAD compares: Non-Finnish European, 0.003%; no homozygotes.

Submission:

Labcorp Genetics (formerly Invitae), Labcorp
Classification: Uncertain significance. Last evaluated: 2021-10-08. Review status: criteria provided, single submitter. Criteria: Invitae Variant Classification Sherloc (09022015). Collection method: clinical testing. Allele origin: germline.
Comment: In summary, the available evidence is currently insufficient to determine the role of this variant in disease. Therefore, it has been classified as a Variant of Uncertain Significance. Algorithms developed to predict the effect of missense changes on protein structure and function are either unavailable or do not agree on the potential impact of this missense change (SIFT: "Not Available"; PolyPhen-2: "Benign"; Align-GVGD: "Not Available"). This variant has not been reported in the literature in individuals affected with ATAD1-related conditions. This variant is present in population databases (rs746470165, ExAC 0.003%). This sequence change replaces threonine with alanine at codon 24 of the ATAD1 protein (p.Thr24Ala). The threonine residue is moderately conserved and there is a small physicochemical difference between threonine and alanine.

NM_001321967.2(ATAD1):c.70A>G (p.Thr24Ala)

Gene: ATAD1 (ATPase family AAA domain containing 1; minus strand). Cytogenetic location: 10q23.31.
Variant type: single nucleotide variant.
Coding change: c.70A>G on transcript NM_001321967.2 (MANE Select); coding-DNA position 70, A replaced by G.
Protein change: p.Thr24Ala; replaces threonine 24 with alanine.
Molecular consequence: missense variant. On other transcripts: 5 prime UTR variant (1), non-coding transcript variant (1).
Genome position (GRCh38, 1-based): chr10:87,814,530, T>C on the plus strand (A>G on the coding strand, the complement: ATAD1 is on the minus strand). VCF-style: chr10-87814530-T-C. GRCh37 (hg19) VCF-style: chr10-89574287-T-C.
Other names: c.70A>G, p.Thr24Ala (NM_001321968.2, NM_032810.4); c.-378A>G (NM_001321969.2); short protein forms T24A.
Identifiers: ClinVar variation 1467864 (VCV001467864.4), dbSNP rs746470165, ClinGen allele CA5590173.